The following is an entry in ClinVar:

NM_001368397.1(FRMPD4):c.1926A>G (p.Ala642=)

Gene: FRMPD4 (FERM and PDZ domain containing 4; plus strand). Cytogenetic location: Xp22.2.
Variant type: single nucleotide variant.
Coding change: c.1926A>G on transcript NM_001368397.1 (MANE Select); coding-DNA position 1926, A replaced by G.
Protein change: p.Ala642=; no amino-acid change (alanine 642 retained).
Molecular consequence: synonymous variant.
Genome position (GRCh38, 1-based): chrX:12,716,385, A>G. VCF-style: chrX-12716385-A-G. GRCh37 (hg19) VCF-style: chrX-12734504-A-G.
Other names: c.2037A>G, p.Ala679= (NM_001368395.3, NM_001368398.3); c.1932A>G, p.Ala644= (NM_001368396.3); c.1917A>G, p.Ala639= (NM_001368399.3); c.1806A>G, p.Ala602= (NM_001368400.3); c.1902A>G, p.Ala634= (NM_001368401.1, NM_001368402.3); c.1926A>G, p.Ala642= (NM_014728.3).
Identifiers: ClinVar variation 3050291 (VCV003050291.2), dbSNP rs887954550, ClinGen allele CA326112050.

ClinVar aggregate classification (germline): Likely benign (0 of 4 stars; one submission).

Conditions:
FRMPD4-related disorder. Also called: FRMPD4-related condition.

Allele frequency attached by ClinVar (database versions not stated): gnomAD exomes 0.00001.
gnomAD v4.1: 12 of 1,211,456 alleles (0.00099%); highest among the groups gnomAD compares: Non-Finnish European, 0.0013%; no homozygotes.

Submission:

PreventionGenetics, part of Exact Sciences
Classification: Likely benign for FRMPD4-related condition. Last evaluated: 2019-07-22. Review status: no assertion criteria provided. Collection method: clinical testing. Allele origin: germline.
Comment: This variant is classified as likely benign based on ACMG/AMP sequence variant interpretation guidelines (Richards et al. 2015 PMID: 25741868, with internal and published modifications).